The following is an entry in ClinVar:

ClinVar aggregate classification (germline): Uncertain significance. Review status: criteria provided, multiple submitters, no conflicts (2 of 4 stars). 2 submissions from 2 submitters: Uncertain significance (2). Last evaluated 2022-06-10.

Conditions:
Inborn genetic diseases. Identifiers: MedGen C0950123, MeSH D030342.
Short-rib thoracic dysplasia 8 with or without polydactyly (SRTD8). Also called: SHORT-RIB THORACIC DYSPLASIA 8 WITH POLYDACTYLY. Identifiers: Orphanet 93271, MedGen C3809691, MONDO:0014214, OMIM 615503.

Allele frequency attached by ClinVar (database versions not stated): TOPMed 0.00003; gnomAD 0.00002; ExAC 0.00003; ESP Exome Variant Server 0.00017.
gnomAD v4.1: 23 of 1,571,008 alleles (0.0015%); highest among the groups gnomAD compares: African/African-American, 0.0041%; no homozygotes.

Submissions (2):

Ambry Genetics
Classification: Uncertain significance for Inborn genetic diseases. Last evaluated: 2022-06-10. Review status: criteria provided, single submitter. Criteria: Ambry Variant Classification Scheme 2023. Collection method: clinical testing. Allele origin: germline.

Labcorp Genetics (formerly Invitae), Labcorp
Classification: Uncertain significance for Short-rib thoracic dysplasia 8 with or without polydactyly. Last evaluated: 2022-01-28. Review status: criteria provided, single submitter. Criteria: Invitae Variant Classification Sherloc (09022015). Collection method: clinical testing. Allele origin: germline.
Comment: In summary, the available evidence is currently insufficient to determine the role of this variant in disease. Therefore, it has been classified as a Variant of Uncertain Significance. Algorithms developed to predict the effect of missense changes on protein structure and function are either unavailable or do not agree on the potential impact of this missense change (SIFT: "Tolerated"; PolyPhen-2: "Probably Damaging"; Align-GVGD: "Class C0"). This variant has not been reported in the literature in individuals affected with WDR60-related conditions. This variant is present in population databases (rs370323304, gnomAD 0.01%). This sequence change replaces proline, which is neutral and non-polar, with leucine, which is neutral and non-polar, at codon 909 of the WDR60 protein (p.Pro909Leu).

NM_018051.5(DYNC2I1):c.2726C>T (p.Pro909Leu)

Gene: DYNC2I1 (dynein 2 intermediate chain 1; plus strand). Cytogenetic location: 7q36.3.
Variant type: single nucleotide variant.
Coding change: c.2726C>T on transcript NM_018051.5 (MANE Select); coding-DNA position 2726, C replaced by T.
Protein change: p.Pro909Leu; replaces proline 909 with leucine.
Molecular consequence: missense variant.
Genome position (GRCh38, 1-based): chr7:158,934,497, C>T. VCF-style: chr7-158934497-C-T. GRCh37 (hg19) VCF-style: chr7-158727188-C-T.
Other names: c.2588C>T, p.Pro863Leu (NM_001350914.2); c.2153C>T, p.Pro718Leu (NM_001350915.2); c.1265C>T, p.Pro422Leu (NM_001350916.2); c.1478C>T, p.Pro493Leu (NM_001350917.2, NM_001350918.2); c.2726C>T (NM_018051.4); short protein forms P422L, P863L, P493L, P718L, P909L.
Identifiers: ClinVar variation 2040734 (VCV002040734.5), dbSNP rs370323304, ClinGen allele CA4595076.